The following is an entry in ClinVar:

ClinVar aggregate classification (germline): Uncertain significance (1 of 4 stars; one submission).

Conditions:
Hereditary cancer-predisposing syndrome. Also called: Tumor predisposition; Hereditary neoplastic syndrome; Neoplastic Syndromes, Hereditary; Hereditary Cancer Syndrome. Identifiers: Orphanet 140162, MedGen C0027672, MeSH D009386, MONDO:0015356.

Submission:

Ambry Genetics
Classification: Uncertain significance for Hereditary cancer-predisposing syndrome. Last evaluated: 2025-04-23. Review status: criteria provided, single submitter. Criteria: Ambry Variant Classification Scheme 2023. Collection method: clinical testing. Allele origin: germline.
Comment: The c.2392_2410del19 variant, located in coding exon 20 of the EGFR gene, results from a deletion of 19 nucleotides at nucleotide positions 2392 to 2410, causing a translational frameshift with a predicted alternate stop codon (p.L798Nfs*22). This alteration is expected to result in loss of function by premature protein truncation or nonsense-mediated mRNA decay. Loss-of-function variants subject to nonsense mediated decay (NMD) in EGFR are known to cause EGFR-related neonatal inflammatory skin and bowel disease; however, such associations with EGFR-related lung cancer have not been reported. Based on the supporting evidence, this alteration is pathogenic for EGFR-related neonatal inflammatory skin and bowel disease; however, the association of this alteration with EGFR-related lung cancer is unknown.

NM_005228.5(EGFR):c.2392_2410del (p.Leu798fs)

Genes: EGFR (epidermal growth factor receptor; plus strand), EGFR-AS1 (EGFR antisense RNA 1; minus strand). Cytogenetic location: 7p11.2.
Variant type: Deletion.
Coding change: c.2392_2410del on transcript NM_005228.5 (MANE Select); coding-DNA positions 2392 to 2410, 19 bases deleted (CTCCTGGACTATGTCCGGG).
Protein change: p.Leu798fs; shifts the reading frame from leucine 798.
Molecular consequence: frameshift variant. On other transcripts: non-coding transcript variant (1).
Genome position (GRCh38, 1-based): chr7:55,181,401-55,181,419, CTCCTGGACTATGTCCGGG deleted. VCF-style (leftmost placement, unchanged base first): chr7-55181400-CCTCCTGGACTATGTCCGGG-C. GRCh37 (hg19) VCF-style: chr7-55249093-CCTCCTGGACTATGTCCGGG-C.
Other names: c.2257_2275del, p.Leu753fs (NM_001346897.2, NM_001346899.2); c.2392_2410del, p.Leu798fs (NM_001346898.2); c.2233_2251del, p.Leu745fs (NM_001346900.2); c.1591_1609del, p.Leu531fs (NM_001346941.2); short protein forms L531fs, L745fs, L798fs, L753fs.
Identifiers: ClinVar variation 4016714 (VCV004016714.1).
Genomic context (GRCh38, chr7:55,181,400, plus strand): 5'-GCTGGGCATCTGCCTCACCTCCACCGTGCAGCTCATCACGCAGCTCATGCCCTTCGGCTG[CCTCCTGGACTATGTCCGGG>C]AACACAAAGACAATATTGGCTCCCAGTACCTGCTCAACTGGTGTGTGCAGATCGCAAAGG-3'